The following is an entry in ClinVar:

ClinVar aggregate classification (germline): Uncertain significance. Review status: criteria provided, multiple submitters, no conflicts (2 of 4 stars). 3 submissions from 3 submitters: Uncertain significance (3). Last evaluated 2025-12-03.

Conditions:
Inborn genetic diseases. Identifiers: MedGen C0950123, MeSH D030342.

Allele frequency attached by ClinVar (database versions not stated): gnomAD 0.00007 and 0.00009; TOPMed 0.00007.
gnomAD v4.1: 21 of 1,614,042 alleles (0.0013%); highest among the groups gnomAD compares: African/African-American, 0.027%; no homozygotes.

Submissions (3):

Ambry Genetics
Classification: Uncertain significance for Inborn genetic diseases. Last evaluated: 2025-12-03. Review status: criteria provided, single submitter. Criteria: Ambry Variant Classification Scheme 2023. Collection method: clinical testing. Allele origin: germline.

Labcorp Genetics (formerly Invitae), Labcorp
Classification: Uncertain significance. Last evaluated: 2022-10-05. Review status: criteria provided, single submitter. Criteria: Invitae Variant Classification Sherloc (09022015). Collection method: clinical testing. Allele origin: germline.
Comment: This sequence change replaces histidine, which is basic and polar, with glutamine, which is neutral and polar, at codon 422 of the FAM161A protein (p.His422Gln). This variant is present in population databases (rs748970261, gnomAD 0.02%). This variant has not been reported in the literature in individuals affected with FAM161A-related conditions. ClinVar contains an entry for this variant (Variation ID: 1372056). Advanced modeling of protein sequence and biophysical properties (such as structural, functional, and spatial information, amino acid conservation, physicochemical variation, residue mobility, and thermodynamic stability) performed at Invitae indicates that this missense variant is not expected to disrupt FAM161A protein function. In summary, the available evidence is currently insufficient to determine the role of this variant in disease. Therefore, it has been classified as a Variant of Uncertain Significance.

Blueprint Genetics
Classification: Uncertain significance. Last evaluated: 2020-04-28. Review status: criteria provided, single submitter. Criteria: ACMG Guidelines, 2015. Collection method: clinical testing. Allele origin: germline.

NM_001201543.2(FAM161A):c.1266C>A (p.His422Gln)

Gene: FAM161A (FAM161 centrosomal protein A; minus strand). Cytogenetic location: 2p15.
Variant type: single nucleotide variant.
Coding change: c.1266C>A on transcript NM_001201543.2 (MANE Select); coding-DNA position 1266, C replaced by A.
Protein change: p.His422Gln; replaces histidine 422 with glutamine.
Molecular consequence: missense variant. On other transcripts: non-coding transcript variant (1).
Genome position (GRCh38, 1-based): chr2:61,839,738, G>T on the plus strand (C>A on the coding strand, the complement: FAM161A is on the minus strand). VCF-style: chr2-61839738-G-T. GRCh37 (hg19) VCF-style: chr2-62066873-G-T.
Other names: c.1266C>A, p.His422Gln (NM_032180.3); c.1266C>A (NM_001201543.1); short protein forms H422Q.
Identifiers: ClinVar variation 1372056 (VCV001372056.7), dbSNP rs748970261, ClinGen allele CA1679180.